The following is an entry in ClinVar:

NM_001330260.2(SCN8A):c.3259A>T (p.Ile1087Phe)

Gene: SCN8A (sodium voltage-gated channel alpha subunit 8; plus strand). Cytogenetic location: 12q13.13.
Variant type: single nucleotide variant.
Coding change: c.3259A>T on transcript NM_001330260.2 (MANE Select); coding-DNA position 3259, A replaced by T.
Protein change: p.Ile1087Phe; replaces isoleucine 1087 with phenylalanine.
Molecular consequence: missense variant.
Genome position (GRCh38, 1-based): chr12:51,769,222, A>T. VCF-style: chr12-51769222-A-T. GRCh37 (hg19) VCF-style: chr12-52163006-A-T.
Other names: c.3259A>T, p.Ile1087Phe (NM_001177984.3, NM_001369788.1, NM_014191.4); short protein forms I1087F.
Identifiers: ClinVar variation 2852572 (VCV002852572.3), dbSNP rs763424705, ClinGen allele CA384893258.

ClinVar aggregate classification (germline): Uncertain significance (1 of 4 stars; one submission).

Conditions:
Early-infantile DEE. Also called: Ohtahara syndrome; Early infantile epileptic encephalopathy with suppression bursts; Early infantile epileptic encephalopathy. Identifiers: Orphanet 1934, MedGen C0393706, MONDO:0800491.

gnomAD v4.1: 2 of 1,613,936 alleles (0.00012%); highest among the groups gnomAD compares: African/African-American, 0.0013%; no homozygotes.

Submission:

Labcorp Genetics (formerly Invitae), Labcorp
Classification: Uncertain significance for Early-infantile DEE. Last evaluated: 2024-01-04. Review status: criteria provided, single submitter. Criteria: Invitae Variant Classification Sherloc (09022015). Collection method: clinical testing. Allele origin: germline.
Comment: This sequence change replaces isoleucine, which is neutral and non-polar, with phenylalanine, which is neutral and non-polar, at codon 1087 of the SCN8A protein (p.Ile1087Phe). This variant is present in population databases (no rsID available, gnomAD 0.01%). This variant has not been reported in the literature in individuals affected with SCN8A-related conditions. Advanced modeling of protein sequence and biophysical properties (such as structural, functional, and spatial information, amino acid conservation, physicochemical variation, residue mobility, and thermodynamic stability) performed at Invitae indicates that this missense variant is not expected to disrupt SCN8A protein function with a negative predictive value of 95%. In summary, the available evidence is currently insufficient to determine the role of this variant in disease. Therefore, it has been classified as a Variant of Uncertain Significance.